The following is an entry in ClinVar:

NM_003978.5(PSTPIP1):c.*51G>A

Gene: PSTPIP1 (proline-serine-threonine phosphatase interacting protein 1; plus strand). Cytogenetic location: 15q24.3.
Variant type: single nucleotide variant.
Coding change: c.*51G>A on transcript NM_003978.5 (MANE Select); 51 bases downstream of the stop codon, G replaced by A.
Molecular consequence: 3 prime UTR variant. On other transcripts: non-coding transcript variant (1).
Genome position (GRCh38, 1-based): chr15:77,037,227, G>A. VCF-style: chr15-77037227-G-A. GRCh37 (hg19) VCF-style: chr15-77329568-G-A.
Other names: c.*51G>A (NM_001321135.2, NM_001321136.2, NM_001321137.1).
Identifiers: ClinVar variation 317191 (VCV000317191.18), dbSNP rs117378779, ClinGen allele CA10647433.
Genomic context (GRCh38, chr15:77,037,227, plus strand): 5'-GAAGCTTTGAGGAAGGGCCAGGAGCCCCTTCGGACCTGCCCTGCCAGTGGAGCCAGCAGT[G>A]CCCCCAGCACTGTCCCCACCTTGCTAGGGCCCAGAACCAAGCGTCCCCCAGCCCCGAGAG-3'

ClinVar aggregate classification (germline): Benign. Review status: criteria provided, multiple submitters, no conflicts (2 of 4 stars). 4 submissions from 4 submitters: Benign (4). Last evaluated 2023-08-25.

Conditions:
Pyogenic arthritis-pyoderma gangrenosum-acne syndrome (PAPA). Also called: FAMILIAL RECURRENT ARTHRITIS; PAPA SYNDROME. Identifiers: Orphanet 69126, MedGen C1858361, MONDO:0011462, OMIM 604416.

Allele frequency attached by ClinVar (database versions not stated): gnomAD exomes 0.00450; ESP Exome Variant Server 0.01747; gnomAD 0.01862 and 0.01876; TOPMed 0.02116; 1000 Genomes Project 30x 0.03107; 1000 Genomes Project 0.03275.
gnomAD v4.1: 9,387 of 1,553,112 alleles (0.6%); highest among the groups gnomAD compares: East Asian, 5.9%; 203 homozygotes.

Submissions (4):

ARUP Laboratories, Molecular Genetics and Genomics, ARUP Laboratories
Classification: Benign for Pyogenic arthritis-pyoderma gangrenosum-acne syndrome. Last evaluated: 2023-08-25. Review status: criteria provided, single submitter. Criteria: ARUP Molecular Germline Variant Investigation Process 2024. Collection method: clinical testing. Allele origin: germline.

Illumina Laboratory Services, Illumina
Classification: Benign for Pyogenic arthritis-pyoderma gangrenosum-acne syndrome. Last evaluated: 2018-01-13. Review status: criteria provided, single submitter. Criteria: ICSL Variant Classification Criteria 13 December 2019. Collection method: clinical testing. Allele origin: germline.
Comment: This variant was observed in the ICSL laboratory as part of a predisposition screen in an ostensibly healthy population. It had not been previously curated by ICSL or reported in the Human Gene Mutation Database (HGMD: prior to June 1st, 2018), and was therefore a candidate for classification through an automated scoring system. Utilizing variant allele frequency, disease prevalence and penetrance estimates, and inheritance mode, an automated score was calculated to assess if this variant is too frequent to cause the disease. Based on the score and internal cut-off values, a variant classified as benign is not then subjected to further curation. The score for this variant resulted in a classification of benign for this disease.

GeneDx
Classification: Benign. Last evaluated: 2015-03-03. Review status: criteria provided, single submitter. Criteria: GeneDx Variant Classification Process June 2021. Collection method: clinical testing. Allele origin: germline. Affected: yes.

Breakthrough Genomics
Classification: Benign. Review status: criteria provided, single submitter. Criteria: ACMG Guidelines, 2015. Collection method: not provided. Allele origin: germline. Inheritance: Autosomal dominant inheritance. Affected: yes.